The following is an entry in ClinVar:

ClinVar aggregate classification (germline): Benign. Review status: criteria provided, multiple submitters, no conflicts (2 of 4 stars). 2 submissions from 2 submitters: Benign (2). Last evaluated 2018-06-19.

Allele frequency attached by ClinVar (database versions not stated): 1000 Genomes Project 0.06350; 1000 Genomes Project 30x 0.06574; TOPMed 0.08391.
gnomAD v4.1: 75,886 of 1,112,356 alleles (6.8%); highest among the groups gnomAD compares: African/African-American, 13%; 3,028 homozygotes.

Submissions (2):

GeneDx
Classification: Benign. Last evaluated: 2018-06-19. Review status: criteria provided, single submitter. Criteria: GeneDx Variant Classification (06012015). Collection method: clinical testing. Allele origin: germline. Affected: yes.
Comment: This variant is considered likely benign or benign based on one or more of the following criteria: it is a conservative change, it occurs at a poorly conserved position in the protein, it is predicted to be benign by multiple in silico algorithms, and/or has population frequency not consistent with disease.

Breakthrough Genomics
Classification: Benign. Review status: criteria provided, single submitter. Criteria: ACMG Guidelines, 2015. Collection method: not provided. Allele origin: germline. Inheritance: Autosomal recessive inheritance. Affected: yes.

NM_203447.4(DOCK8):c.4474-125A>G

Gene: DOCK8 (dedicator of cytokinesis 8; plus strand). Cytogenetic location: 9p24.3.
Variant type: single nucleotide variant.
Coding change: c.4474-125A>G on transcript NM_203447.4 (MANE Select); 125 bases into the intron before coding-DNA position 4474, A replaced by G.
Molecular consequence: intron variant.
Genome position (GRCh38, 1-based): chr9:429,577, A>G. VCF-style: chr9-429577-A-G. GRCh37 (hg19) VCF-style: chr9-429577-A-G.
Other names: c.4270-125A>G (NM_001193536.2); c.4174-125A>G (NM_001190458.2).
Identifiers: ClinVar variation 676856 (VCV000676856.2), dbSNP rs10974393, ClinGen allele CA13041961.